The following is an entry in ClinVar:

ClinVar aggregate classification (germline): Conflicting classifications of pathogenicity. Review status: criteria provided, conflicting classifications (1 of 4 stars). 2 submissions from 2 submitters: Uncertain significance (1); Benign (1). Last evaluated 2023-07-19.

Conditions:
Menkes kinky-hair syndrome (MNK). Also called: Menkes Disease; Copper transport disease; Classic Menkes Disease. Identifiers: Orphanet 565, MedGen C0022716, MONDO:0010651, OMIM 309400.
Cutis laxa, X-linked (OHS). Also called: EDS IX; Occipital horn syndrome. Identifiers: Orphanet 198, MedGen C0268353, MONDO:0010572, OMIM 304150.
X-linked distal spinal muscular atrophy type 3. Also called: ATP7A-Related Distal Motor Neuropathy; NEURONOPATHY, DISTAL HEREDITARY MOTOR, X-LINKED; NEUROPATHY, DISTAL HEREDITARY MOTOR, X-LINKED; SPINAL MUSCULAR ATROPHY, DISTAL, X-LINKED RECESSIVE. Identifiers: Orphanet 139557, MedGen C1845359, MONDO:0010338, OMIM 300489.

Allele frequency attached by ClinVar (database versions not stated): gnomAD 0.00001; gnomAD exomes 0.00001; TOPMed 0.00001; ExAC 0.00002; ESP Exome Variant Server 0.00009.
gnomAD v4.1: 4 of 1,209,550 alleles (0.00033%); highest among the groups gnomAD compares: Non-Finnish European, 0.00045%; no homozygotes.

Submissions (2):

Labcorp Genetics (formerly Invitae), Labcorp
Classification: Benign for X-linked distal spinal muscular atrophy type 3; Cutis laxa, X-linked; Menkes kinky-hair syndrome. Last evaluated: 2023-07-19. Review status: criteria provided, single submitter. Criteria: Invitae Variant Classification Sherloc (09022015). Collection method: clinical testing. Allele origin: germline.

GeneDx
Classification: Uncertain significance. Last evaluated: 2022-06-15. Review status: criteria provided, single submitter. Criteria: GeneDx Variant Classification Process June 2021. Collection method: clinical testing. Allele origin: germline. Affected: yes.
Comment: Not observed at significant frequency in large population cohorts (gnomAD); In silico analysis supports that this missense variant has a deleterious effect on protein structure/function; Has not been previously published as pathogenic or benign to our knowledge

NM_000052.7(ATP7A):c.1313T>C (p.Met438Thr)

Gene: ATP7A (ATPase copper transporting alpha; plus strand). Cytogenetic location: Xq21.1.
Variant type: single nucleotide variant.
Coding change: c.1313T>C on transcript NM_000052.7 (MANE Select); coding-DNA position 1313, T replaced by C.
Protein change: p.Met438Thr; replaces methionine 438 with threonine.
Molecular consequence: missense variant.
Genome position (GRCh38, 1-based): chrX:77,989,935, T>C. VCF-style: chrX-77989935-T-C. GRCh37 (hg19) VCF-style: chrX-77245431-T-C.
Other names: c.1313T>C, p.Met438Thr (NM_001282224.2); short protein forms M438T.
Identifiers: ClinVar variation 962545 (VCV000962545.11), dbSNP rs377651753, ClinGen allele CA10459025.